The following is an entry in ClinVar:

NM_145045.5(ODAD3):c.1116+1G>T

Gene: ODAD3 (outer dynein arm docking complex subunit 3; minus strand). Cytogenetic location: 19p13.2.
Variant type: single nucleotide variant.
Coding change: c.1116+1G>T on transcript NM_145045.5 (MANE Select); the canonical splice donor site of the intron after coding-DNA position 1116, G replaced by T.
Molecular consequence: splice donor variant.
Genome position (GRCh38, 1-based): chr19:11,423,876, C>A on the plus strand (G>T on the coding strand, the complement: ODAD3 is on the minus strand). VCF-style: chr19-11423876-C-A. GRCh37 (hg19) VCF-style: chr19-11534545-C-A.
Other names: c.954+1G>T (NM_001302453.1); c.936+1G>T (NM_001302454.2).
Identifiers: ClinVar variation 2688725 (VCV002688725.4), dbSNP rs761992279, ClinGen allele CA404121378.

ClinVar aggregate classification (germline): Conflicting classifications of pathogenicity. Review status: criteria provided, conflicting classifications (1 of 4 stars). 2 submissions from 2 submitters: Likely pathogenic (1); Uncertain significance (1). Last evaluated 2025-04-22.

Conditions:
Primary ciliary dyskinesia 30. Also called: CILIARY DYSKINESIA, PRIMARY, 30, WITH OR WITHOUT SITUS INVERSUS. Identifiers: Orphanet 244, MedGen C4015016, MONDO:0014465, OMIM 616037.

gnomAD v4.1: 4 of 1,607,824 alleles (0.00025%); highest among the groups gnomAD compares: Non-Finnish European, 0.00034%; no homozygotes.

Submissions (2):

Labcorp Genetics (formerly Invitae), Labcorp
Classification: Likely pathogenic for Primary ciliary dyskinesia 30. Last evaluated: 2025-04-22. Review status: criteria provided, single submitter. Criteria: Invitae Variant Classification Sherloc (09022015). Collection method: clinical testing. Allele origin: germline.
Comment: This sequence change affects a donor splice site in intron 8 of the CCDC151 gene. It is expected to disrupt RNA splicing. Variants that disrupt the donor or acceptor splice site typically lead to a loss of protein function (PMID: 16199547), and loss-of-function variants in CCDC151 are known to be pathogenic (PMID: 25192045). This variant is not present in population databases (gnomAD no frequency). This variant has not been reported in the literature in individuals affected with CCDC151-related conditions. ClinVar contains an entry for this variant (Variation ID: 2688725). Algorithms developed to predict the effect of sequence changes on RNA splicing suggest that this variant may disrupt the consensus splice site. In summary, the currently available evidence indicates that the variant is pathogenic, but additional data are needed to prove that conclusively. Therefore, this variant has been classified as Likely Pathogenic.

Revvity Omics, Revvity
Classification: Uncertain significance for Primary ciliary dyskinesia 30. Last evaluated: 2023-11-17. Review status: criteria provided, single submitter. Criteria: ACMG Guidelines, 2015. Collection method: clinical testing. Allele origin: germline.

Literature cited by the submitters: PubMed 16199547 (cited by Labcorp Genetics (formerly Invitae), Labcorp); PubMed 25192045 (cited by Labcorp Genetics (formerly Invitae), Labcorp).